The following is an entry in ClinVar:

NM_001291867.2(NHS):c.310_348del (p.Pro104_Ala116del)

Gene: NHS (NHS actin remodeling regulator; plus strand). Cytogenetic location: Xp22.2.
Variant type: Deletion.
Coding change: c.310_348del on transcript NM_001291867.2 (MANE Select); coding-DNA positions 310 to 348, 39 bases deleted.
Protein change: p.Pro104_Ala116del.
Molecular consequence: inframe deletion.
Genome position (GRCh38, 1-based): chrX:17,376,067-17,376,105, 39 bases deleted; deleting any 39 consecutive bases within chrX:17,376,060-17,376,105 gives the same sequence; the c. name uses the placement nearest the transcript's 3' end. GRCh37 (hg19): chrX:17,394,190-17,394,228.
Other names: c.310_348del, p.Pro104_Ala116del (NM_198270.4).
Identifiers: ClinVar variation 2660078 (VCV002660078.24), dbSNP rs1420560495, ClinGen allele CA640858858.
Genomic context (GRCh38, chrX:17,376,059, plus strand): 5'-CTCAGCCGCCGCACGGAGAGGCGTCCGTGGCTGGCGAGGAGAGCACGGCGGGGATCCCGG[AGGCGGCGCCCGCAGCCGGCGAGGCGTCCTCGGCGGCGGC>A]GGCGGCGGCCGTGCTGCTCATGCTGGACCTATGCGCGGTCAGCAACGCCGCTCTGGCCCG-3'

ClinVar aggregate classification (germline): Likely benign (1 of 4 stars; one submission).

Submission:

CeGaT Center for Human Genetics Tuebingen
Classification: Likely benign. Last evaluated: 2023-08-01. Review status: criteria provided, single submitter. Criteria: CeGaT Center For Human Genetics Tuebingen Variant Classification Criteria Version 2. Collection method: clinical testing. Allele origin: germline. Affected: yes. Observed: 1 variant allele.
Comment: NHS: BS2